The following is an entry in ClinVar:

ClinVar aggregate classification (germline): Uncertain significance (1 of 4 stars; one submission).

Submission:

Labcorp Genetics (formerly Invitae), Labcorp
Classification: Uncertain significance. Last evaluated: 2022-08-16. Review status: criteria provided, single submitter. Criteria: Invitae Variant Classification Sherloc (09022015). Collection method: clinical testing. Allele origin: germline.
Comment: Advanced modeling of protein sequence and biophysical properties (such as structural, functional, and spatial information, amino acid conservation, physicochemical variation, residue mobility, and thermodynamic stability) performed at Invitae indicates that this missense variant is expected to disrupt FAT4 protein function. In summary, the available evidence is currently insufficient to determine the role of this variant in disease. Therefore, it has been classified as a Variant of Uncertain Significance. ClinVar contains an entry for this variant (Variation ID: 1383295). This variant has not been reported in the literature in individuals affected with FAT4-related conditions. This variant is not present in population databases (gnomAD no frequency). This sequence change replaces asparagine, which is neutral and polar, with lysine, which is basic and polar, at codon 1835 of the FAT4 protein (p.Asn1835Lys).

NM_001291303.3(FAT4):c.5505T>A (p.Asn1835Lys)

Gene: FAT4 (FAT atypical cadherin 4; plus strand). Cytogenetic location: 4q28.1.
Variant type: single nucleotide variant.
Coding change: c.5505T>A on transcript NM_001291303.3 (MANE Select); coding-DNA position 5505, T replaced by A.
Protein change: p.Asn1835Lys; replaces asparagine 1835 with lysine.
Molecular consequence: missense variant.
Genome position (GRCh38, 1-based): chr4:125,407,077, T>A. VCF-style: chr4-125407077-T-A. GRCh37 (hg19) VCF-style: chr4-126328232-T-A.
Other names: c.5505T>A, p.Asn1835Lys (NM_001291285.3, NM_024582.6); short protein forms N1835K.
Identifiers: ClinVar variation 1383295 (VCV001383295.6), dbSNP rs2126019806, ClinGen allele CA358122813.